The following is an entry in ClinVar:

NM_001370298.3(FGD4):c.601C>T (p.Gln201Ter)

Gene: FGD4 (FYVE, RhoGEF and PH domain containing 4; plus strand). Cytogenetic location: 12p11.21.
Variant type: single nucleotide variant.
Coding change: c.601C>T on transcript NM_001370298.3 (MANE Select); coding-DNA position 601, C replaced by T.
Protein change: p.Gln201Ter; replaces glutamine 201 with a stop codon.
Molecular consequence: nonsense. On other transcripts: 5 prime UTR variant (5), non-coding transcript variant (1), intron variant (1).
Genome position (GRCh38, 1-based): chr12:32,582,057, C>T. VCF-style: chr12-32582057-C-T. GRCh37 (hg19) VCF-style: chr12-32734991-C-T.
Other names: c.445C>T, p.Gln149Ter (NM_001304481.2); c.-655C>T (NM_001304483.2); c.-962C>T (NM_001304484.2); c.-90C>T (NM_001330373.2, NM_001330374.2, NM_001384130.1); c.601C>T, p.Gln201Ter (NM_001384126.1); c.190C>T, p.Gln64Ter (NM_001384127.1, NM_001384128.1, NM_001384131.1 and 3 more transcripts); c.49-16440C>T (NM_001370297.1); short protein forms Q201*, Q149*, Q64*.
Identifiers: ClinVar variation 3671318 (VCV003671318.4).

ClinVar aggregate classification (germline): Pathogenic/Likely pathogenic. Review status: criteria provided, multiple submitters, no conflicts (2 of 4 stars). 2 submissions from 2 submitters: Pathogenic (1); Likely pathogenic (1). Last evaluated 2024-05-28.

Conditions:
Charcot-Marie-Tooth disease type 4H (CMT4H). Also called: CHARCOT-MARIE-TOOTH DISEASE, DEMYELINATING, TYPE 4H; CHARCOT-MARIE-TOOTH DISEASE, AUTOSOMAL RECESSIVE, TYPE 4H; CHARCOT-MARIE-TOOTH DISEASE, DEMYELINATING, AUTOSOMAL RECESSIVE, TYPE 4H; CHARCOT-MARIE-TOOTH NEUROPATHY, TYPE 4H. Identifiers: Orphanet 99954, MedGen C1836336, MONDO:0012250, OMIM 609311.
Charcot-Marie-Tooth disease type 4. Also called: Charcot-Marie-Tooth, Type 4; Charcot-Marie-Tooth disease, type IV. Identifiers: Orphanet 64749, MedGen C4082197, MONDO:0018995.

Submissions (2):

Labcorp Genetics (formerly Invitae), Labcorp
Classification: Pathogenic for Charcot-Marie-Tooth disease type 4. Last evaluated: 2024-05-28. Review status: criteria provided, single submitter. Criteria: Invitae Variant Classification Sherloc (09022015). Collection method: clinical testing. Allele origin: germline.
Comment: This sequence change creates a premature translational stop signal (p.Gln64*) in the FGD4 gene. It is expected to result in an absent or disrupted protein product. Loss-of-function variants in FGD4 are known to be pathogenic (PMID: 17564972). This variant is not present in population databases (gnomAD no frequency). This variant has not been reported in the literature in individuals affected with FGD4-related conditions. For these reasons, this variant has been classified as Pathogenic.

Juno Genomics, Hangzhou Juno Genomics, Inc
Classification: Likely pathogenic for Charcot-Marie-Tooth disease type 4H. Review status: criteria provided, single submitter. Criteria: ACMG Guidelines, 2015. Collection method: clinical testing. Allele origin: germline.
Comment: Null variant in a gene where loss of function (LOF) is a known mechanism of disease.;Absent from controls (or at extremely low frequency if recessive) in Genome Aggregation Database.

Literature cited by the submitters: PubMed 17564972 (cited by Labcorp Genetics (formerly Invitae), Labcorp).